The following is an entry in ClinVar:

NM_003079.5(SMARCE1):c.748G>A (p.Glu250Lys)

Gene: SMARCE1 (SWI/SNF related BAF chromatin remodeling complex subunit E1; minus strand). Cytogenetic location: 17q21.2.
Variant type: single nucleotide variant.
Coding change: c.748G>A on transcript NM_003079.5 (MANE Select); coding-DNA position 748, G replaced by A.
Protein change: p.Glu250Lys; replaces glutamic acid 250 with lysine.
Molecular consequence: missense variant.
Genome position (GRCh38, 1-based): chr17:40,631,660, C>T on the plus strand (G>A on the coding strand, the complement: SMARCE1 is on the minus strand). VCF-style: chr17-40631660-C-T. GRCh37 (hg19) VCF-style: chr17-38787912-C-T.
Other names: short protein forms E250K.
Identifiers: ClinVar variation 3033807 (VCV003033807.3), dbSNP rs1295234583, ClinGen allele CA399364446.

ClinVar aggregate classification (germline): Uncertain significance. Review status: criteria provided, single submitter (1 of 4 stars). 2 submissions from 2 submitters: Uncertain significance (1). 1 of the submissions does not count toward it. Last evaluated 2023-11-02.

Conditions:
SMARCE1-related disorder. Also called: SMARCE1-related condition.
Familial meningioma. Also called: Meningioma, familial, susceptibility to. Identifiers: Orphanet 263662, MedGen C3551915, MONDO:0011789, OMIM 607174.

Submissions (2):

Baylor Genetics
Classification: Uncertain significance for Familial meningioma. Last evaluated: 2023-11-02. Review status: criteria provided, single submitter. Criteria: ACMG Guidelines, 2015. Collection method: clinical testing. Allele origin: unknown.

PreventionGenetics, part of Exact Sciences
Classification: Uncertain significance for SMARCE1-related condition. Last evaluated: 2023-12-12. Review status: no assertion criteria provided. Collection method: clinical testing. Allele origin: germline. Not counted in ClinVar's aggregate classification.
Comment: The SMARCE1 c.748G>A variant is predicted to result in the amino acid substitution p.Glu250Lys. To our knowledge, this variant has not been reported in the literature or in a large population database, indicating this variant is rare. At this time, the clinical significance of this variant is uncertain due to the absence of conclusive functional and genetic evidence.